The following is an entry in ClinVar:

NM_017636.4(TRPM4):c.1744G>C (p.Gly582Arg)

Gene: TRPM4 (transient receptor potential cation channel subfamily M member 4; plus strand). Cytogenetic location: 19q13.33.
Variant type: single nucleotide variant.
Coding change: c.1744G>C on transcript NM_017636.4 (MANE Select); coding-DNA position 1744, G replaced by C.
Protein change: p.Gly582Arg; replaces glycine 582 with arginine.
Molecular consequence: missense variant.
Genome position (GRCh38, 1-based): chr19:49,188,641, G>C. VCF-style: chr19-49188641-G-C. GRCh37 (hg19) VCF-style: chr19-49691898-G-C.
Other names: c.1744G>C, p.Gly582Arg (NM_001195227.2); c.1399G>C, p.Gly467Arg (NM_001321281.2); c.136G>C, p.Gly46Arg (NM_001321282.2); c.1222G>C, p.Gly408Arg (NM_001321283.2); c.682G>C, p.Gly228Arg (NM_001321285.2); short protein forms G228R, G467R, G46R, G408R, G582R.
Identifiers: ClinVar variation 2448590 (VCV002448590.2), dbSNP rs172149856, ClinGen allele CA406802626.

ClinVar aggregate classification (germline): Uncertain significance (1 of 4 stars; one submission).

Conditions:
Cardiovascular phenotype. Identifiers: MedGen CN230736.

gnomAD v4.1: 1 of 1,614,184 alleles (0.000062%); highest among the groups gnomAD compares: Non-Finnish European, 0.000085%; no homozygotes.

Submission:

Ambry Genetics
Classification: Uncertain significance for Cardiovascular phenotype. Last evaluated: 2023-01-28. Review status: criteria provided, single submitter. Criteria: Ambry Variant Classification Scheme 2023. Collection method: clinical testing. Allele origin: germline.
Comment: The p.G582R variant (also known as c.1744G>C) is located in coding exon 13 of the TRPM4 gene. The glycine at codon 582 is replaced by arginine, an amino acid with dissimilar properties. This change occurs in the first base pair of coding exon 13. This amino acid position is conserved. In addition, this alteration is predicted to be deleterious by in silico analysis. Since supporting evidence is limited at this time, the clinical significance of this alteration remains unclear.